The following is an entry in ClinVar:

NM_022552.5(DNMT3A):c.1606T>C (p.Tyr536His)

Gene: DNMT3A (DNA methyltransferase 3 alpha; minus strand). Cytogenetic location: 2p23.3.
Variant type: single nucleotide variant.
Coding change: c.1606T>C on transcript NM_022552.5 (MANE Select); coding-DNA position 1606, T replaced by C.
Protein change: p.Tyr536His; replaces tyrosine 536 with histidine.
Molecular consequence: missense variant. On other transcripts: non-coding transcript variant (1).
Genome position (GRCh38, 1-based): chr2:25,244,601, A>G on the plus strand (T>C on the coding strand, the complement: DNMT3A is on the minus strand). VCF-style: chr2-25244601-A-G. GRCh37 (hg19) VCF-style: chr2-25467470-A-G.
Other names: c.1150T>C, p.Tyr384His (NM_001320893.1); c.937T>C, p.Tyr313His (NM_001375819.1); c.1039T>C, p.Tyr347His (NM_153759.3); c.1606T>C, p.Tyr536His (NM_175629.2); short protein forms Y313H, Y347H, Y384H, Y536H.
Identifiers: ClinVar variation 3344730 (VCV003344730.1).

ClinVar aggregate classification (germline): Uncertain significance (0 of 4 stars; one submission).

Conditions:
DNMT3A-related disorder. Also called: DNMT3A-related condition; DNMT3A-related disorders.

Submission:

PreventionGenetics, part of Exact Sciences
Classification: Uncertain significance for DNMT3A-related condition. Last evaluated: 2024-08-07. Review status: no assertion criteria provided. Collection method: clinical testing. Allele origin: germline.
Comment: The DNMT3A c.1606T>C variant is predicted to result in the amino acid substitution p.Tyr536His. To our knowledge, this variant has not been reported in the literature or in a large population database, indicating this variant is rare. At this time, the clinical significance of this variant is uncertain due to the absence of conclusive functional and genetic evidence.